The following is an entry in ClinVar:

NM_006440.5(TXNRD2):c.1088G>A (p.Gly363Glu)

Gene: TXNRD2 (thioredoxin reductase 2; minus strand). Cytogenetic location: 22q11.21.
Variant type: single nucleotide variant.
Coding change: c.1088G>A on transcript NM_006440.5 (MANE Select); coding-DNA position 1088, G replaced by A.
Protein change: p.Gly363Glu; replaces glycine 363 with glutamic acid.
Molecular consequence: missense variant. On other transcripts: non-coding transcript variant (1).
Genome position (GRCh38, 1-based): chr22:19,880,716, C>T on the plus strand (G>A on the coding strand, the complement: TXNRD2 is on the minus strand). VCF-style: chr22-19880716-C-T. GRCh37 (hg19) VCF-style: chr22-19868239-C-T.
Other names: c.1085G>A, p.Gly362Glu (NM_001352300.2); c.998G>A, p.Gly333Glu (NM_001352301.2); c.800G>A, p.Gly267Glu (NM_001352302.2); short protein forms G362E, G267E, G333E, G363E.
Identifiers: ClinVar variation 1788239 (VCV001788239.2), dbSNP rs2517276748, ClinGen allele CA410682079.
Genomic context (GRCh38, chr22:19,880,716, plus strand): 5'-AAGAGCCGCTGCACCAGGAGCCTCCCGGCCATGATCGCTATGGGTGTCAGCTCAGGCCGC[C>T]CCTTGGGGAAGGCACAGGGGGGCCACGTCAGCACCATGTCCGGGGTTATATGCAGCCCCT-3'
Protein context (NP_006431.2, residues 353-373): HIYAIGDVVE[Gly363Glu]RPELTPIAIM

ClinVar aggregate classification (germline): Uncertain significance (1 of 4 stars; one submission).

Conditions:
Cardiovascular phenotype. Identifiers: MedGen CN230736.

Submission:

Ambry Genetics
Classification: Uncertain significance for Cardiovascular phenotype. Last evaluated: 2020-11-16. Review status: criteria provided, single submitter. Criteria: Ambry Variant Classification Scheme 2023. Collection method: clinical testing. Allele origin: germline.
Comment: The p.G363E variant (also known as c.1088G>A), located in coding exon 13 of the TXNRD2 gene, results from a G to A substitution at nucleotide position 1088. The glycine at codon 363 is replaced by glutamic acid, an amino acid with similar properties. This amino acid position is highly conserved in available vertebrate species. In addition, this alteration is predicted to be deleterious by in silico analysis. Since supporting evidence is limited at this time, the clinical significance of this alteration remains unclear.